The following is an entry in ClinVar:

ClinVar aggregate classification (germline): Pathogenic/Likely pathogenic. Review status: criteria provided, multiple submitters, no conflicts (2 of 4 stars). 5 submissions from 5 submitters: Pathogenic (2); Likely pathogenic (3). Last evaluated 2025-08-06.

Conditions:
Glycogen storage disease, type V (GSD5). Also called: MCARDLE DISEASE; MUSCLE GLYCOGEN PHOSPHORYLASE DEFICIENCY; MYOPHOSPHORYLASE DEFICIENCY; McArdle type glycogen storage disease; PYGM DEFICIENCY. Identifiers: Orphanet 368, MedGen C0017924, MONDO:0009293, OMIM 232600.

Submissions (5):

Natera, Inc.
Classification: Likely pathogenic for Glycogen storage disease V. Last evaluated: 2025-08-06. Review status: criteria provided, single submitter. Criteria: Natera Variant Classification Schema (03/2026). Collection method: clinical testing. Allele origin: germline.
Comment: The c.658_659delCA variant in PYGM is a frameshift variant predicted to shift the reading frame beginning at codon 220 and leads to a stop codon 32 codons downstream. This variant is expected to result in nonsense mediated decay, truncation, or a dysfunctional protein product. This variant is rare in the general population with a frequency below the threshold expected for the associated phenotype(s). Given the available evidence, this variant is classified as Likely Pathogenic.

Labcorp Genetics (formerly Invitae), Labcorp
Classification: Pathogenic for Glycogen storage disease, type V. Last evaluated: 2025-04-27. Review status: criteria provided, single submitter. Criteria: Invitae Variant Classification Sherloc (09022015). Collection method: clinical testing. Allele origin: germline.
Comment: This sequence change creates a premature translational stop signal (p.Gln220Glyfs*32) in the PYGM gene. It is expected to result in an absent or disrupted protein product. Loss-of-function variants in PYGM are known to be pathogenic (PMID: 8316268, 16786513). This variant is present in population databases (rs766199191, gnomAD 0.004%). This variant has not been reported in the literature in individuals affected with PYGM-related conditions. For these reasons, this variant has been classified as Pathogenic.

Fulgent Genetics
Classification: Likely pathogenic for Glycogen storage disease, type V. Last evaluated: 2024-04-05. Review status: criteria provided, single submitter. Criteria: ACMG Guidelines, 2015. Collection method: clinical testing. Allele origin: germline.

Baylor Genetics
Classification: Likely pathogenic for Glycogen storage disease, type V. Last evaluated: 2023-10-09. Review status: criteria provided, single submitter. Criteria: ACMG Guidelines, 2015. Collection method: clinical testing. Allele origin: unknown.

GeneDx
Classification: Pathogenic. Last evaluated: 2019-11-05. Review status: criteria provided, single submitter. Criteria: GeneDx Variant Classification Process June 2021. Collection method: clinical testing. Allele origin: germline. Affected: yes.
Comment: Frameshift variant predicted to result in protein truncation or nonsense mediated decay in a gene for which loss-of-function is a known mechanism of disease; Not observed at a significant frequency in large population cohorts (Lek et al., 2016); Has not been previously published as pathogenic or benign to our knowledge

Literature cited by the submitters: PubMed 8316268 (cited by Labcorp Genetics (formerly Invitae), Labcorp); PubMed 16786513 (cited by Labcorp Genetics (formerly Invitae), Labcorp).

NM_005609.4(PYGM):c.658_659del (p.Gln220fs)

Gene: PYGM (glycogen phosphorylase, muscle associated; minus strand). Cytogenetic location: 11q13.1.
Variant type: Microsatellite.
Coding change: c.658_659del on transcript NM_005609.4 (MANE Select); coding-DNA positions 658 to 659, 2 bases deleted (CA; older notation c.658_659delCA).
Protein change: p.Gln220fs; shifts the reading frame from glutamine 220.
Molecular consequence: frameshift variant.
Genome position (GRCh38, 1-based): chr11:64,757,780-64,757,781, TG deleted on the plus strand (CA on the coding strand, the reverse complement: PYGM is on the minus strand); deleting any 2 consecutive bases within chr11:64,757,780-64,757,786 gives the same sequence; the c. name uses the placement nearest the transcript's 3' end. VCF-style (leftmost placement, unchanged base first): chr11-64757779-CTG-C. GRCh37 (hg19) VCF-style: chr11-64525251-CTG-C.
Other names: c.658_659delCA (NM_005609.3); c.394_395del, p.Gln132fs (NM_001164716.1); short protein forms Q132fs, Q220fs.
Identifiers: ClinVar variation 1193689 (VCV001193689.10), dbSNP rs766199191, ClinGen allele CA6080179.